The following is an entry in ClinVar:

ClinVar aggregate classification (germline): Conflicting classifications of pathogenicity. Review status: criteria provided, conflicting classifications (1 of 4 stars). 2 submissions from 2 submitters: Uncertain significance (1); Likely benign (1). Last evaluated 2025-12-08.

Conditions:
Inborn genetic diseases. Identifiers: MedGen C0950123, MeSH D030342.

Allele frequency attached by ClinVar (database versions not stated): ExAC 0.00001; gnomAD 0.00001; gnomAD exomes 0.00001; TOPMed 0.00001.
gnomAD v4.1: 12 of 1,612,470 alleles (0.00074%); highest among the groups gnomAD compares: Admixed American, 0.0017%; no homozygotes.

Submissions (2):

Labcorp Genetics (formerly Invitae), Labcorp
Classification: Uncertain significance. Last evaluated: 2025-12-08. Review status: criteria provided, single submitter. Criteria: Invitae Variant Classification Sherloc (09022015). Collection method: clinical testing. Allele origin: germline.
Comment: This sequence change replaces arginine, which is basic and polar, with glutamine, which is neutral and polar, at codon 1605 of the DCHS1 protein (p.Arg1605Gln). This variant is present in population databases (rs756283165, gnomAD 0.002%). This variant has not been reported in the literature in individuals affected with DCHS1-related conditions. ClinVar contains an entry for this variant (Variation ID: 1463631). Invitae Evidence Modeling of protein sequence and biophysical properties (such as structural, functional, and spatial information, amino acid conservation, physicochemical variation, residue mobility, and thermodynamic stability) indicates that this missense variant is not expected to disrupt DCHS1 protein function with a negative predictive value of 80%. In summary, the available evidence is currently insufficient to determine the role of this variant in disease. Therefore, it has been classified as a Variant of Uncertain Significance.

Ambry Genetics
Classification: Likely benign for Inborn genetic diseases. Last evaluated: 2025-08-09. Review status: criteria provided, single submitter. Criteria: Ambry Variant Classification Scheme 2023. Collection method: clinical testing. Allele origin: germline.

NM_003737.4(DCHS1):c.4814G>A (p.Arg1605Gln)

Gene: DCHS1 (dachsous cadherin-related 1; minus strand). Cytogenetic location: 11p15.4.
Variant type: single nucleotide variant.
Coding change: c.4814G>A on transcript NM_003737.4 (MANE Select); coding-DNA position 4814, G replaced by A.
Protein change: p.Arg1605Gln; replaces arginine 1605 with glutamine.
Molecular consequence: missense variant.
Genome position (GRCh38, 1-based): chr11:6,629,893, C>T on the plus strand (G>A on the coding strand, the complement: DCHS1 is on the minus strand). VCF-style: chr11-6629893-C-T. GRCh37 (hg19) VCF-style: chr11-6651124-C-T.
Other names: c.4814G>A (NM_003737.2); short protein forms R1605Q.
Identifiers: ClinVar variation 1463631 (VCV001463631.7), dbSNP rs756283165, ClinGen allele CA5860260.